The following is an entry in ClinVar:

NM_001282597.3(CTNNA2):c.1026C>G (p.Leu342=)

Gene: CTNNA2 (catenin alpha 2; plus strand). Cytogenetic location: 2p12.
Variant type: single nucleotide variant.
Coding change: c.1026C>G on transcript NM_001282597.3 (MANE Select); coding-DNA position 1026, C replaced by G.
Protein change: p.Leu342=; no amino-acid change (leucine 342 retained).
Molecular consequence: synonymous variant.
Genome position (GRCh38, 1-based): chr2:79,909,767, C>G. VCF-style: chr2-79909767-C-G. GRCh37 (hg19) VCF-style: chr2-80136893-C-G.
Other names: c.1026C>G (NM_001282597.2); c.1026C>G, p.Leu342= (NM_001164883.2, NM_001399737.1, NM_004389.4); c.1128C>G, p.Leu376= (NM_001282598.2).
Identifiers: ClinVar variation 2651084 (VCV002651084.25), dbSNP rs767544687, ClinGen allele CA1735199.

ClinVar aggregate classification (germline): Likely benign. Review status: criteria provided, single submitter (1 of 4 stars). 2 submissions from 2 submitters: Likely benign (1). 1 of the submissions does not count toward it. Last evaluated 2022-05-01.

Conditions:
CTNNA2-related disorder. Also called: CTNNA2-related condition.

Allele frequency attached by ClinVar (database versions not stated): TOPMed 0.00001; 1000 Genomes Project 30x 0.00016; ExAC 0.00018; gnomAD 0.00019.
gnomAD v4.1: 212 of 1,611,984 alleles (0.013%); highest among the groups gnomAD compares: Non-Finnish European, 0.003%; 1 homozygote.

Submissions (2):

CeGaT Center for Human Genetics Tuebingen
Classification: Likely benign. Last evaluated: 2022-05-01. Review status: criteria provided, single submitter. Criteria: CeGaT Center For Human Genetics Tuebingen Variant Classification Criteria Version 2. Collection method: clinical testing. Allele origin: germline. Affected: yes. Observed: 1 variant allele.
Comment: CTNNA2: BP4, BP7

PreventionGenetics, part of Exact Sciences
Classification: Likely benign for CTNNA2-related condition. Last evaluated: 2019-08-28. Review status: no assertion criteria provided. Collection method: clinical testing. Allele origin: germline. Not counted in ClinVar's aggregate classification.
Comment: This variant is classified as likely benign based on ACMG/AMP sequence variant interpretation guidelines (Richards et al. 2015 PMID: 25741868, with internal and published modifications).